The following is an entry in ClinVar:

NM_004667.6(HERC2):c.410C>T (p.Ala137Val)

Gene: HERC2 (HECT and RLD domain containing E3 ubiquitin protein ligase 2; minus strand). Cytogenetic location: 15q13.1.
Variant type: single nucleotide variant.
Coding change: c.410C>T on transcript NM_004667.6 (MANE Select); coding-DNA position 410, C replaced by T.
Protein change: p.Ala137Val; replaces alanine 137 with valine.
Molecular consequence: missense variant.
Genome position (GRCh38, 1-based): chr15:28,280,200, G>A on the plus strand (C>T on the coding strand, the complement: HERC2 is on the minus strand). VCF-style: chr15-28280200-G-A. GRCh37 (hg19) VCF-style: chr15-28525346-G-A.
Other names: short protein forms A137V.
Identifiers: ClinVar variation 1343003 (VCV001343003.2), dbSNP rs762398671, ClinGen allele CA7443707.

ClinVar aggregate classification (germline): Uncertain significance (1 of 4 stars; one submission).

Allele frequency attached by ClinVar (database versions not stated): gnomAD 0.00004.
gnomAD v4.1: 48 of 1,614,056 alleles (0.003%); highest among the groups gnomAD compares: Non-Finnish European, 0.0039%; no homozygotes.

Submission:

GeneDx
Classification: Uncertain significance. Last evaluated: 2021-09-01. Review status: criteria provided, single submitter. Criteria: GeneDx Variant Classification Process June 2021. Collection method: clinical testing. Allele origin: germline. Affected: yes.
Comment: In silico analysis supports that this missense variant does not alter protein structure/function; Has not been previously published as pathogenic or benign to our knowledge